The following is an entry in ClinVar:

ClinVar aggregate classification (germline): Uncertain significance (1 of 4 stars; one submission).

Allele frequency attached by ClinVar (database versions not stated): gnomAD exomes 0.00001; TOPMed below 0.00001.
gnomAD v4.1: 12 of 1,614,084 alleles (0.00074%); highest among the groups gnomAD compares: Middle Eastern, 0.016%; no homozygotes.

Submission:

Labcorp Genetics (formerly Invitae), Labcorp
Classification: Uncertain significance. Last evaluated: 2025-11-09. Review status: criteria provided, single submitter. Criteria: Invitae Variant Classification Sherloc (09022015). Collection method: clinical testing. Allele origin: germline.
Comment: This sequence change replaces arginine, which is basic and polar, with glutamine, which is neutral and polar, at codon 92 of the TAOK2 protein (p.Arg92Gln). This variant is present in population databases (no rsID available, gnomAD 0.003%). This variant has not been reported in the literature in individuals affected with TAOK2-related conditions. ClinVar contains an entry for this variant (Variation ID: 3021703). An algorithm developed to predict the effect of missense changes on protein structure and function (PolyPhen-2) suggests that this variant is likely to be disruptive. In summary, the available evidence is currently insufficient to determine the role of this variant in disease. Therefore, it has been classified as a Variant of Uncertain Significance.

NM_016151.4(TAOK2):c.275G>A (p.Arg92Gln)

Gene: TAOK2 (TAO kinase 2; plus strand). Cytogenetic location: 16p11.2.
Variant type: single nucleotide variant.
Coding change: c.275G>A on transcript NM_016151.4 (MANE Select); coding-DNA position 275, G replaced by A.
Protein change: p.Arg92Gln; replaces arginine 92 with glutamine.
Molecular consequence: missense variant.
Genome position (GRCh38, 1-based): chr16:29,978,322, G>A. VCF-style: chr16-29978322-G-A. GRCh37 (hg19) VCF-style: chr16-29989643-G-A.
Other names: c.275G>A, p.Arg92Gln (NM_001252043.2, NM_004783.4); short protein forms R92Q.
Identifiers: ClinVar variation 3021703 (VCV003021703.3), dbSNP rs865791050, ClinGen allele CA280430875.